The following is an entry in ClinVar:

ClinVar aggregate classification (germline): Uncertain significance (1 of 4 stars; one submission).

Conditions:
Saldino-Mainzer syndrome (SRTD9). Also called: Renal dysplasia, retinal pigmentary dystrophy, cerebellar ataxia and skeletal dysplasia; CONORENAL SYNDROME; SHORT-RIB THORACIC DYSPLASIA 9 WITHOUT POLYDACTYLY; short-rib thoracic dysplasia 9 with or without polydactyly. Identifiers: Orphanet 140969, MedGen C1849437, MONDO:0009964, OMIM 266920.

Submission:

Labcorp Genetics (formerly Invitae), Labcorp
Classification: Uncertain significance for Saldino-Mainzer syndrome. Last evaluated: 2022-02-25. Review status: criteria provided, single submitter. Criteria: Invitae Variant Classification Sherloc (09022015). Collection method: clinical testing. Allele origin: germline.
Comment: This variant is not present in population databases (gnomAD no frequency). This sequence change replaces lysine, which is basic and polar, with glutamic acid, which is acidic and polar, at codon 598 of the IFT140 protein (p.Lys598Glu). This variant has not been reported in the literature in individuals affected with IFT140-related conditions. In summary, the available evidence is currently insufficient to determine the role of this variant in disease. Therefore, it has been classified as a Variant of Uncertain Significance. Algorithms developed to predict the effect of missense changes on protein structure and function (SIFT, PolyPhen-2, Align-GVGD) all suggest that this variant is likely to be tolerated.

NM_014714.4(IFT140):c.1792A>G (p.Lys598Glu)

Gene: IFT140 (intraflagellar transport 140; minus strand). Cytogenetic location: 16p13.3.
Variant type: single nucleotide variant.
Coding change: c.1792A>G on transcript NM_014714.4 (MANE Select); coding-DNA position 1792, A replaced by G.
Protein change: p.Lys598Glu; replaces lysine 598 with glutamic acid.
Molecular consequence: missense variant.
Genome position (GRCh38, 1-based): chr16:1,566,270, T>C on the plus strand (A>G on the coding strand, the complement: IFT140 is on the minus strand). VCF-style: chr16-1566270-T-C. GRCh37 (hg19) VCF-style: chr16-1616271-T-C.
Other names: short protein forms K598E.
Identifiers: ClinVar variation 1490394 (VCV001490394.6), dbSNP rs2141571032, ClinGen allele CA394206442.